The following is an entry in ClinVar:

NM_005359.6(SMAD4):c.647A>G (p.Asn216Ser)

Gene: SMAD4 (SMAD family member 4; plus strand). Cytogenetic location: 18q21.2.
Variant type: single nucleotide variant.
Coding change: c.647A>G on transcript NM_005359.6 (MANE Select); coding-DNA position 647, A replaced by G.
Protein change: p.Asn216Ser; replaces asparagine 216 with serine.
Molecular consequence: missense variant.
Genome position (GRCh38, 1-based): chr18:51,054,973, A>G. VCF-style: chr18-51054973-A-G. GRCh37 (hg19) VCF-style: chr18-48581343-A-G.
Other names: short protein forms N216S.
Identifiers: ClinVar variation 184736 (VCV000184736.23), dbSNP rs138386557, ClinGen allele CA189894.

ClinVar aggregate classification (germline): Conflicting classifications of pathogenicity. Review status: criteria provided, conflicting classifications (1 of 4 stars). 7 submissions from 7 submitters: Uncertain significance (5); Benign (1); Likely benign (1). Last evaluated 2025-12-03.

Conditions:
Juvenile polyposis syndrome (JPS). Identifiers: Orphanet 2929, MedGen C0345893, MONDO:0017380, OMIM 174900.
Familial thoracic aortic aneurysm and aortic dissection (TAAD). Also called: Thoracic aortic aneurysms and dissections. Identifiers: Orphanet 91387, MedGen C4707243, MONDO:0019625.
Hereditary cancer-predisposing syndrome. Also called: Tumor predisposition; Hereditary Cancer Syndrome; Hereditary neoplastic syndrome; Neoplastic Syndromes, Hereditary. Identifiers: Orphanet 140162, MedGen C0027672, MeSH D009386, MONDO:0015356.

Allele frequency attached by ClinVar (database versions not stated): gnomAD exomes below 0.00001 and 0.00001; ExAC 0.00001; ESP Exome Variant Server 0.00008; gnomAD 0.00002; TOPMed 0.00002.
gnomAD v4.1: 6 of 1,613,856 alleles (0.00037%); highest among the groups gnomAD compares: Admixed American, 0.005%; no homozygotes.

Submissions (7):

Labcorp Genetics (formerly Invitae), Labcorp
Classification: Benign for Juvenile polyposis syndrome. Last evaluated: 2025-12-03. Review status: criteria provided, single submitter. Criteria: Invitae Variant Classification Sherloc (09022015). Collection method: clinical testing. Allele origin: germline.

Quest Diagnostics Nichols Institute San Juan Capistrano
Classification: Uncertain significance. Last evaluated: 2025-06-26. Review status: criteria provided, single submitter. Criteria: Quest Diagnostics criteria. Collection method: clinical testing. Allele origin: unknown.
Comment: The SMAD4 c.647A>G (p.Asn216Ser) variant has been reported in the published literature in an individual from a high-risk colorectal cancer family (PMID: 30256826 (2018)). The frequency of this variant in the general population (Genome Aggregation Database) is uninformative in the assessment of its pathogenicity. Analysis of this variant using bioinformatics tools for the prediction of the effect of amino acid changes on protein structure and function yielded predictions that this variant is benign. Based on the available information, we are unable to determine the clinical significance of this variant.

Ambry Genetics
Classification: Uncertain significance for Hereditary cancer-predisposing syndrome; Familial thoracic aortic aneurysm and aortic dissection. Last evaluated: 2025-04-25. Review status: criteria provided, single submitter. Criteria: Ambry Variant Classification Scheme 2023. Collection method: clinical testing. Allele origin: germline.

Center for Genomic Medicine, Rigshospitalet, Copenhagen University Hospital
Classification: Uncertain significance. Last evaluated: 2025-03-04. Review status: criteria provided, single submitter. Criteria: ACMG Guidelines, 2015. Collection method: clinical testing. Allele origin: germline.

Color Diagnostics, LLC DBA Color Health
Classification: Likely benign for Hereditary cancer-predisposing syndrome. Last evaluated: 2024-10-11. Review status: criteria provided, single submitter. Criteria: ACMG Guidelines, 2015. Collection method: clinical testing. Allele origin: germline.

GeneDx
Classification: Uncertain significance. Last evaluated: 2023-11-29. Review status: criteria provided, single submitter. Criteria: GeneDx Variant Classification Process June 2021. Collection method: clinical testing. Allele origin: germline. Affected: yes.
Comment: Not observed at significant frequency in large population cohorts (gnomAD); In silico analysis supports that this missense variant does not alter protein structure/function; Observed in an individual from a high-risk colorectal cancer family (PMID: 30256826); This variant is associated with the following publications: (PMID: 15235019, 18823382, 22992590, 30256826)

Sema4
Classification: Uncertain significance for Hereditary cancer-predisposing syndrome. Last evaluated: 2022-01-06. Review status: criteria provided, single submitter. Criteria: Sema4 Curation Guidelines. Collection method: curation. Allele origin: germline.
Comment: The SMAD4 c.647A>G (p.N216S) variant has been reported in heterozygosity in at least one individual from a high-risk colorectal cancer family (PMID: 30256826). It was observed in 2/251462 chromosomes across all populations, in the large and broad cohorts of the Genome Aggregation Database (PMID: 32461654). The variant has been reported in ClinVar (Variation ID 184736). Functional studies have not been performed, and in silico predictions of the variant's effect on protein function are inconclusive. The evidence is insufficient to meet ACMG/AMP criteria for classifying the variant as benign or pathogenic. Thus, the clinical significance of this variant is currently uncertain.

Literature cited by the submitters: PubMed 30256826 (cited by Quest Diagnostics Nichols Institute San Juan Capistrano and Sema4).